The following is an entry in ClinVar:

ClinVar aggregate classification (germline): Likely benign. Review status: criteria provided, multiple submitters, no conflicts (2 of 4 stars). 3 submissions from 3 submitters: Likely benign (2). 1 of the submissions does not count toward it. Last evaluated 2024-08-05.

Conditions:
DHX38-related disorder. Also called: DHX38-related condition.

Allele frequency attached by ClinVar (database versions not stated): ExAC 0.00001; gnomAD exomes 0.00001 and 0.00002; gnomAD 0.00003 and 0.00004; TOPMed 0.00005; 1000 Genomes Project 30x 0.00016; 1000 Genomes Project 0.00020.
gnomAD v4.1: 20 of 1,613,976 alleles (0.0012%); highest among the groups gnomAD compares: Middle Eastern, 0.033%; no homozygotes.

Submissions (3):

Labcorp Genetics (formerly Invitae), Labcorp
Classification: Likely benign. Last evaluated: 2024-08-05. Review status: criteria provided, single submitter. Criteria: Invitae Variant Classification Sherloc (09022015). Collection method: clinical testing. Allele origin: germline.

Blueprint Genetics
Classification: Likely benign. Last evaluated: 2023-07-11. Review status: criteria provided, single submitter. Criteria: ACMG Guidelines, 2015. Collection method: clinical testing. Allele origin: germline.

PreventionGenetics, part of Exact Sciences
Classification: Likely benign for DHX38-related condition. Last evaluated: 2019-07-03. Review status: no assertion criteria provided. Collection method: clinical testing. Allele origin: germline. Not counted in ClinVar's aggregate classification.
Comment: This variant is classified as likely benign based on ACMG/AMP sequence variant interpretation guidelines (Richards et al. 2015 PMID: 25741868, with internal and published modifications).

NM_014003.4(DHX38):c.3121-6C>T

Genes: DHX38 (DEAH-box helicase 38; plus strand), LOC126862391 (CDK7 strongly-dependent group 2 enhancer GRCh37_chr16:72141414-72142613; plus strand). Cytogenetic location: 16q22.2.
Variant type: single nucleotide variant.
Coding change: c.3121-6C>T on transcript NM_014003.4 (MANE Select); 6 bases into the intron before coding-DNA position 3121, C replaced by T.
Molecular consequence: intron variant.
Genome position (GRCh38, 1-based): chr16:72,108,467, C>T. VCF-style: chr16-72108467-C-T. GRCh37 (hg19) VCF-style: chr16-72142366-C-T.
Other names: c.3121-6C>T (NM_014003.3).
Identifiers: ClinVar variation 1622383 (VCV001622383.13), dbSNP rs142853808, ClinGen allele CA8160890.